The following is an entry in ClinVar:

NM_152564.5(VPS13B):c.1289G>C (p.Gly430Ala)

Gene: VPS13B (vacuolar protein sorting 13 homolog B; plus strand). Cytogenetic location: 8q22.2.
Variant type: single nucleotide variant.
Coding change: c.1289G>C on transcript NM_152564.5 (MANE Select); coding-DNA position 1289, G replaced by C.
Protein change: p.Gly430Ala; replaces glycine 430 with alanine.
Molecular consequence: missense variant.
Genome position (GRCh38, 1-based): chr8:99,134,714, G>C. VCF-style: chr8-99134714-G-C. GRCh37 (hg19) VCF-style: chr8-100146942-G-C.
Other names: c.1289G>C, p.Gly430Ala (NM_015243.3, NM_017890.5); c.1289G>C (NM_152564.4); short protein forms G430A.
Identifiers: ClinVar variation 361041 (VCV000361041.19), dbSNP rs147448147, ClinGen allele CA4822589.
Genomic context (GRCh38, chr8:99,134,714, plus strand): 5'-GTAGTTATTACAGTCCACAGAAAGTAAAATCTAAAGAAGTATTGTGTTGGGAACAAGAAG[G>C]AACTACAGTTGAGGTAATCTTTCAATATTGAACCTGTATTTTTAAATATTTTGTTCTTTA-3'
Protein context (NP_689777.3, residues 420-440): SKEVLCWEQE[Gly430Ala]TTVEALMMGE

ClinVar aggregate classification (germline): Uncertain significance. Review status: criteria provided, multiple submitters, no conflicts (2 of 4 stars). 7 submissions from 7 submitters: Uncertain significance (6). 1 of the submissions does not count toward it. Last evaluated 2026-05-27.

Conditions:
Inborn genetic diseases. Identifiers: MedGen C0950123, MeSH D030342.
Cohen syndrome (COH1). Also called: PEPPER SYNDROME; Cutis verticis gyrata, retinitis pigmentosa, and sensorineural deafness. Identifiers: Orphanet 193, MedGen C0265223, MONDO:0008999, OMIM 216550.
VPS13B-related disorder. Also called: VPS13B-related condition.

Allele frequency attached by ClinVar (database versions not stated): TOPMed 0.00005; gnomAD 0.00006; 1000 Genomes Project 30x 0.00016; ExAC 0.00018; 1000 Genomes Project 0.00020; ESP Exome Variant Server 0.00039.
gnomAD v4.1: 192 of 1,607,868 alleles (0.012%); highest among the groups gnomAD compares: Non-Finnish European, 0.015%; no homozygotes.

Submissions (7):

PreventionGenetics, part of Exact Sciences
Classification: Uncertain significance for VPS13B-related condition. Last evaluated: 2026-05-27. Review status: criteria provided, single submitter. Criteria: ACMG Guidelines, 2015. Collection method: clinical testing. Allele origin: germline.
Comment: The VPS13B c.1289G>C variant is predicted to result in the amino acid substitution p.Gly430Ala. This variant has been reported as a variant of uncertain significance in a study of individuals with clinical blindness (supplementary data, Diñeiro et al. 2020. PubMed ID: 32483926). This variant is reported in 0.027% of alleles in individuals of European (Non-Finnish) descent in gnomAD. At this time, the clinical significance of this variant is uncertain due to the absence of conclusive functional and genetic evidence.

Blueprint Genetics
Classification: Uncertain significance. Last evaluated: 2024-11-07. Review status: criteria provided, single submitter. Criteria: ACMG Guidelines, 2015. Collection method: clinical testing. Allele origin: germline.

Labcorp Genetics (formerly Invitae), Labcorp
Classification: Uncertain significance for Cohen syndrome. Last evaluated: 2022-09-27. Review status: criteria provided, single submitter. Criteria: Invitae Variant Classification Sherloc (09022015). Collection method: clinical testing. Allele origin: germline.
Comment: This sequence change replaces glycine, which is neutral and non-polar, with alanine, which is neutral and non-polar, at codon 430 of the VPS13B protein (p.Gly430Ala). This variant is present in population databases (rs147448147, gnomAD 0.03%). This variant has not been reported in the literature in individuals affected with VPS13B-related conditions. ClinVar contains an entry for this variant (Variation ID: 361041). Advanced modeling of protein sequence and biophysical properties (such as structural, functional, and spatial information, amino acid conservation, physicochemical variation, residue mobility, and thermodynamic stability) performed at Invitae indicates that this missense variant is expected to disrupt VPS13B protein function. In summary, the available evidence is currently insufficient to determine the role of this variant in disease. Therefore, it has been classified as a Variant of Uncertain Significance.

Revvity Omics, Revvity
Classification: Uncertain significance for Cohen syndrome. Last evaluated: 2022-08-01. Review status: criteria provided, single submitter. Criteria: ACMG Guidelines, 2015. Collection method: clinical testing. Allele origin: germline.

Ambry Genetics
Classification: Uncertain significance for Inborn genetic diseases. Last evaluated: 2021-09-14. Review status: criteria provided, single submitter. Criteria: Ambry Variant Classification Scheme 2023. Collection method: clinical testing. Allele origin: germline.

Illumina Laboratory Services, Illumina
Classification: Uncertain significance for Cohen syndrome. Last evaluated: 2018-01-13. Review status: criteria provided, single submitter. Criteria: ICSL Variant Classification Criteria 13 December 2019. Collection method: clinical testing. Allele origin: germline.

Natera, Inc.
Classification: Uncertain significance for Cohen syndrome. Last evaluated: 2020-02-11. Review status: no assertion criteria provided. Collection method: clinical testing. Allele origin: germline. Not counted in ClinVar's aggregate classification.